The following is an entry in ClinVar:

NM_005267.5(GJA8):c.1030C>G (p.Pro344Ala)

Gene: GJA8 (gap junction protein alpha 8; plus strand). Cytogenetic location: 1q21.2.
Variant type: single nucleotide variant.
Coding change: c.1030C>G on transcript NM_005267.5 (MANE Select); coding-DNA position 1030, C replaced by G.
Protein change: p.Pro344Ala; replaces proline 344 with alanine.
Molecular consequence: missense variant.
Genome position (GRCh38, 1-based): chr1:147,908,985, C>G. VCF-style: chr1-147908985-C-G. GRCh37 (hg19) VCF-style: chr1-147381112-C-G.
Other names: short protein forms P344A.
Identifiers: ClinVar variation 2639125 (VCV002639125.24), dbSNP rs11485706, ClinGen allele CA1066064.
Genomic context (GRCh38, chr1:147,908,985, plus strand): 5'-GCTCAGGTGGGGGCACAAGAAGTGGAGGGCGAGGGGCCGCCTGCAGAGGAGGGAGCCGAA[C>G]CCGAGGTGGGAGAGAAGAAGGAGGAAGCAGAGAGGCTGACCACGGAGGAGCAGGAGAAGG-3'
Protein context (NP_005258.2, residues 334-354): EGPPAEEGAE[Pro344Ala]EVGEKKEEAE

ClinVar aggregate classification (germline): Benign (1 of 4 stars; one submission).

Allele frequency attached by ClinVar (database versions not stated): ESP Exome Variant Server 0.00008.
gnomAD v4.1: 84 of 1,596,516 alleles (0.0053%); highest among the groups gnomAD compares: African/African-American, 0.11%; no homozygotes.

Submission:

CeGaT Center for Human Genetics Tuebingen
Classification: Benign. Last evaluated: 2022-03-01. Review status: criteria provided, single submitter. Criteria: CeGaT Center For Human Genetics Tuebingen Variant Classification Criteria Version 2. Collection method: clinical testing. Allele origin: germline. Affected: yes. Observed: 1 variant allele.
Comment: GJA8: BS1, BS2